The following is an entry in ClinVar:

NM_000053.4(ATP7B):c.4057T>C (p.Trp1353Arg)

Gene: ATP7B (ATPase copper transporting beta; minus strand). Cytogenetic location: 13q14.3.
Variant type: single nucleotide variant.
Coding change: c.4057T>C on transcript NM_000053.4 (MANE Select); coding-DNA position 4057, T replaced by C.
Protein change: p.Trp1353Arg; replaces tryptophan 1353 with arginine.
Molecular consequence: missense variant.
Genome position (GRCh38, 1-based): chr13:51,935,660, A>G on the plus strand (T>C on the coding strand, the complement: ATP7B is on the minus strand). VCF-style: chr13-51935660-A-G. GRCh37 (hg19) VCF-style: chr13-52509796-A-G.
Other names: c.4057T>C (NM_000053.3); c.3436T>C, p.Trp1146Arg (NM_001005918.3); c.3724T>C, p.Trp1242Arg (NM_001243182.2); c.3823T>C, p.Trp1275Arg (NM_001330578.2); c.3805T>C, p.Trp1269Arg (NM_001330579.2); short protein forms W1146R, W1275R, W1242R, W1269R, W1353R.
Identifiers: ClinVar variation 1493524 (VCV001493524.4), dbSNP rs1160679283, ClinGen allele CA388020185.

ClinVar aggregate classification (germline): Uncertain significance. Review status: criteria provided, multiple submitters, no conflicts (2 of 4 stars). 3 submissions from 3 submitters: Uncertain significance (3). Last evaluated 2024-07-20.

Conditions:
Wilson disease (WND). Also called: Wilson's disease. Identifiers: Orphanet 905, MedGen C0019202, MONDO:0010200, OMIM 277900. Disease mechanism: loss of function.

Allele frequency attached by ClinVar (database versions not stated): gnomAD exomes below 0.00001.
gnomAD v4.1: 2 of 1,613,650 alleles (0.00012%); highest among the groups gnomAD compares: Non-Finnish European, 0.00017%; no homozygotes.

Submissions (3):

All of Us Research Program, National Institutes of Health
Classification: Uncertain significance for Wilson disease. Last evaluated: 2024-07-20. Review status: criteria provided, single submitter. Criteria: ACMG Guidelines, 2015. Collection method: clinical testing. Allele origin: germline. Inheritance: Autosomal recessive inheritance. Observed: 2 variant alleles, 2 heterozygotes.
Comment: This missense variant replaces tryptophan with arginine at codon 1353 of the ATP7B protein. Computational prediction suggests that this variant may have deleterious impact on protein structure and function (internally defined REVEL score threshold >= 0.7, PMID: 27666373). To our knowledge, functional studies have not been reported for this variant. This variant has been reported in individuals affected with Wilson disease (PMID: 34470610, 27022412, 34470610). This variant has been identified in 1/245910 chromosomes in the general population by the Genome Aggregation Database (gnomAD). The available evidence is insufficient to determine the role of this variant in disease conclusively. Therefore, this variant is classified as a Variant of Uncertain Significance.

This study involves interpretation of variants in research participants for the purpose of population health screening. Participant phenotype was not available at the time of variant classification. Additional details can be found in publication PMID: 35346344, PMCID: PMC8962531

Women's Health and Genetics/Laboratory Corporation of America, LabCorp
Classification: Uncertain significance. Last evaluated: 2023-03-07. Review status: criteria provided, single submitter. Criteria: LabCorp Variant Classification Summary - May 2015. Collection method: clinical testing. Allele origin: germline.
Comment: Variant summary: ATP7B c.4057T>C (p.Trp1353Arg) results in a non-conservative amino acid change in the encoded protein sequence. Five of five in-silico tools predict a damaging effect of the variant on protein function. The variant allele was found at a frequency of 4.1e-06 in 245910 control chromosomes. c.4057T>C has been reported in the literature in individuals affected with Wilson Disease (examples: Shah_1997, Dong_2016). These data indicate that the variant may be associated with disease. One publication reports experimental evidence evaluating an impact on protein function, however, does not allow convincing conclusions about the variant effect (Schushan_2012). One ClinVar submitter has submitted clinical-significance assessments for this variant to ClinVar after 2014. One laboratory classified the variant as uncertain significance. Based on the evidence outlined above, the variant was classified as uncertain significance.

Labcorp Genetics (formerly Invitae), Labcorp
Classification: Uncertain significance for Wilson disease. Last evaluated: 2021-10-12. Review status: criteria provided, single submitter. Criteria: Invitae Variant Classification Sherloc (09022015). Collection method: clinical testing. Allele origin: germline.
Comment: This sequence change replaces tryptophan with arginine at codon 1353 of the ATP7B protein (p.Trp1353Arg). The tryptophan residue is highly conserved and there is a moderate physicochemical difference between tryptophan and arginine. This variant is not present in population databases (ExAC no frequency). This variant has been observed in individual(s) with Wilson disease (PMID: 27022412, 34470610). Algorithms developed to predict the effect of missense changes on protein structure and function are either unavailable or do not agree on the potential impact of this missense change (SIFT: "Deleterious"; PolyPhen-2: "Probably Damaging"; Align-GVGD: "Class C0"). In summary, the available evidence is currently insufficient to determine the role of this variant in disease. Therefore, it has been classified as a Variant of Uncertain Significance.

Literature cited by the submitters: PubMed 27022412 (cited by 3 submitters); PubMed 34470610 (cited by 3 submitters); PubMed 9311736 (cited by Women's Health and Genetics/Laboratory Corporation of America, LabCorp); PubMed 22692182 (cited by Women's Health and Genetics/Laboratory Corporation of America, LabCorp).